The following is an entry in ClinVar:

NM_001170700.3(DTHD1):c.2659T>C (p.Phe887Leu)

Gene: DTHD1 (death domain containing 1; plus strand). Cytogenetic location: 4p14.
Variant type: single nucleotide variant.
Coding change: c.2659T>C on transcript NM_001170700.3 (MANE Select); coding-DNA position 2659, T replaced by C.
Protein change: p.Phe887Leu; replaces phenylalanine 887 with leucine.
Molecular consequence: missense variant. On other transcripts: synonymous variant (1), non-coding transcript variant (2).
Genome position (GRCh38, 1-based): chr4:36,343,762, T>C. VCF-style: chr4-36343762-T-C. GRCh37 (hg19) VCF-style: chr4-36345384-T-C.
Other names: c.1789T>C, p.Phe597Leu (NM_001136536.5); c.1668T>C, p.Asn556= (NM_001378435.1); short protein forms F597L, F887L.
Identifiers: ClinVar variation 2072517 (VCV002072517.4), dbSNP rs2529893098, ClinGen allele CA356682576.

ClinVar aggregate classification (germline): Uncertain significance (1 of 4 stars; one submission).

Submission:

Labcorp Genetics (formerly Invitae), Labcorp
Classification: Uncertain significance. Last evaluated: 2022-01-03. Review status: criteria provided, single submitter. Criteria: Invitae Variant Classification Sherloc (09022015). Collection method: clinical testing. Allele origin: germline.
Comment: This sequence change replaces phenylalanine, which is neutral and non-polar, with leucine, which is neutral and non-polar, at codon 597 of the DTHD1 protein (p.Phe597Leu). This variant is not present in population databases (gnomAD no frequency). This variant has not been reported in the literature in individuals affected with DTHD1-related conditions. Algorithms developed to predict the effect of missense changes on protein structure and function output the following: SIFT: "Tolerated"; PolyPhen-2: "Benign"; Align-GVGD: "Class C0". The leucine amino acid residue is found in multiple mammalian species, which suggests that this missense change does not adversely affect protein function. In summary, the available evidence is currently insufficient to determine the role of this variant in disease. Therefore, it has been classified as a Variant of Uncertain Significance.